The following is an entry in ClinVar:

ClinVar aggregate classification (germline): Likely benign. Review status: criteria provided, multiple submitters, no conflicts (2 of 4 stars). 2 submissions from 2 submitters: Likely benign (2). Last evaluated 2026-05-01.

Allele frequency attached by ClinVar (database versions not stated): TOPMed below 0.00001; gnomAD 0.00001; gnomAD exomes 0.00001.
gnomAD v4.1: 11 of 1,612,746 alleles (0.00068%); highest among the groups gnomAD compares: Admixed American, 0.017%; no homozygotes.

Submissions (2):

CeGaT Center for Human Genetics Tuebingen
Classification: Likely benign. Last evaluated: 2026-05-01. Review status: criteria provided, single submitter. Criteria: CeGaT Center For Human Genetics Tuebingen Variant Classification Criteria Version 2. Collection method: clinical testing. Allele origin: germline. Affected: yes. Observed: 1 variant allele.
Comment: ISCA1: BP4, BP7

Labcorp Genetics (formerly Invitae), Labcorp
Classification: Likely benign. Last evaluated: 2025-10-26. Review status: criteria provided, single submitter. Criteria: Invitae Variant Classification Sherloc (09022015). Collection method: clinical testing. Allele origin: germline.

NM_030940.4(ISCA1):c.333G>A (p.Val111=)

Gene: ISCA1 (iron-sulfur cluster assembly 1; minus strand). Cytogenetic location: 9q21.33.
Variant type: single nucleotide variant.
Coding change: c.333G>A on transcript NM_030940.4 (MANE Select); coding-DNA position 333, G replaced by A.
Protein change: p.Val111=; no amino-acid change (valine 111 retained).
Molecular consequence: synonymous variant.
Genome position (GRCh38, 1-based): chr9:86,266,100, C>T on the plus strand (G>A on the coding strand, the complement: ISCA1 is on the minus strand). VCF-style: chr9-86266100-C-T. GRCh37 (hg19) VCF-style: chr9-88881015-C-T.
Identifiers: ClinVar variation 1555705 (VCV001555705.10), dbSNP rs1825290592, ClinGen allele CA465719840.